The following is an entry in ClinVar:

NM_001042432.2(CLN3):c.1A>G (p.Met1Val)

Gene: CLN3 (CLN3 lysosomal/endosomal transmembrane protein, battenin; minus strand). Cytogenetic location: 16p12.1.
Variant type: single nucleotide variant.
Coding change: c.1A>G on transcript NM_001042432.2 (MANE Select); coding-DNA position 1, A replaced by G.
Protein change: p.Met1Val; changes the start codon (methionine 1).
Molecular consequence: missense variant, initiator codon variant. On other transcripts: 5 prime UTR variant (3).
Genome position (GRCh38, 1-based): chr16:28,491,759, T>C on the plus strand (A>G on the coding strand, the complement: CLN3 is on the minus strand). VCF-style: chr16-28491759-T-C. GRCh37 (hg19) VCF-style: chr16-28503080-T-C.
Other names: c.1A>G, p.Met1Val (NM_000086.2, NM_001286104.2); c.-141A>G (NM_001286105.2); c.-83A>G (NM_001286109.2, NM_001286110.2); short protein forms M1V.
Identifiers: ClinVar variation 550268 (VCV000550268.10), dbSNP rs386833708, ClinGen allele CA7981128.
Genomic context (GRCh38, chr16:28,491,759, plus strand): 5'-GGCGGGAATACTCACCCTCGGAATCCGAAAAGCGCCGCCGCGAGCCTGCACAGCCTCCCA[T>C]CGCATCAAGTTCAGGTCCCCCGAGGGTCCAGGGTCATAGAGTGTCCAAAGGGGGCTCCCA-3'
Protein context (NP_001035897.1, residues 1-11): [Met1Val]GGCAGSRRRF

ClinVar aggregate classification (germline): Pathogenic/Likely pathogenic. Review status: criteria provided, multiple submitters, no conflicts (2 of 4 stars). 3 submissions from 3 submitters: Pathogenic (1); Likely pathogenic (1). 1 of the submissions does not count toward it. Last evaluated 2025-09-02.

Conditions:
CLN3-related disorder. Also called: CLN3-related condition. Identifiers: MedGen CN382248.
Neuronal ceroid lipofuscinosis 3 (CLN3). Identifiers: Orphanet 228346, MedGen C0751383, MONDO:0008767, OMIM 204200.
Neuronal ceroid lipofuscinosis. Also called: Neuronal Ceroid Lipofuscinoses. Identifiers: Orphanet 216, Orphanet 79263, MedGen C0027877, MONDO:0016295. Disease mechanism: loss of function.

Allele frequency attached by ClinVar (database versions not stated): ExAC 0.00001; gnomAD exomes 0.00001.

Submissions (3):

Labcorp Genetics (formerly Invitae), Labcorp
Classification: Pathogenic for Neuronal ceroid lipofuscinosis. Last evaluated: 2025-09-02. Review status: criteria provided, single submitter. Criteria: Invitae Variant Classification Sherloc (09022015). Collection method: clinical testing. Allele origin: germline.
Comment: This sequence change affects the initiator codon of the CLN3 mRNA. This change may impact translation initiation or efficiency. The next in-frame methionine is located at codon 55. This variant is present in population databases (rs386833708, gnomAD 0.006%). Disruption of the initiator codon has been observed in individuals with Neuronal ceroid lipofuscinosis and/or retinitis pigmentosa (PMID: 32154056; internal data). ClinVar contains an entry for this variant (Variation ID: 550268). For these reasons, this variant has been classified as Pathogenic.

PreventionGenetics, part of Exact Sciences
Classification: Likely pathogenic for CLN3-related condition. Last evaluated: 2023-04-28. Review status: criteria provided, single submitter. Criteria: ACMG Guidelines, 2015. Collection method: clinical testing. Allele origin: germline.
Comment: The CLN3 c.1A>G variant is predicted to disrupt the translation initiation site (Start loss). This variant has not been reported in the literature, however other variant c.1A>C disrupting initiation codon has been reported in compound heterozygous state in three individuals with attenuated form of CLN3 disease (Kuper et al 2020. PubMed ID: 32154056). This variant is reported in 0.0058% of alleles in individuals of Latino descent in gnomAD. In summary, we interpret this variant as likely pathogenic.

Counsyl
Classification: Likely pathogenic for Neuronal ceroid lipofuscinosis 3. Last evaluated: 2016-12-27. Review status: no assertion criteria provided. Collection method: clinical testing. Allele origin: unknown. Not counted in ClinVar's aggregate classification.

Literature cited by the submitters: PubMed 32154056 (cited by Labcorp Genetics (formerly Invitae), Labcorp).